The following is an entry in ClinVar:

NM_174936.4(PCSK9):c.581G>A (p.Arg194Gln)

Gene: PCSK9 (proprotein convertase subtilisin/kexin type 9; plus strand). Cytogenetic location: 1p32.3.
Variant type: single nucleotide variant.
Coding change: c.581G>A on transcript NM_174936.4 (MANE Select); coding-DNA position 581, G replaced by A.
Protein change: p.Arg194Gln; replaces arginine 194 with glutamine.
Molecular consequence: missense variant.
Genome position (GRCh38, 1-based): chr1:55,052,335, G>A. VCF-style: chr1-55052335-G-A. GRCh37 (hg19) VCF-style: chr1-55518008-G-A.
Other names: c.704G>A, p.Arg235Gln (NM_001407240.1); c.581G>A, p.Arg194Gln (NM_001407241.1, NM_001407242.1, NM_001407244.1 and 1 more transcripts); c.524G>A, p.Arg175Gln (NM_001407243.1); c.389G>A, p.Arg130Gln (NM_001407245.1); c.206G>A, p.Arg69Gln (NM_001407246.1); short protein forms R194Q, R130Q, R175Q, R69Q, R235Q.
Identifiers: ClinVar variation 926972 (VCV000926972.10), dbSNP rs748155397, ClinGen allele CA043332.

ClinVar aggregate classification (germline): Uncertain significance. Review status: criteria provided, multiple submitters, no conflicts (2 of 4 stars). 3 submissions from 3 submitters: Uncertain significance (3). Last evaluated 2025-08-27.

Conditions:
Hypercholesterolemia, autosomal dominant, 3 (FHCL3). Also called: PCSK9-Related Familial Hypercholesterolemia, Autosomal Dominant; Familial hypercholesterolemia 3; Familial Hypercholesterolemia, Autosomal Dominant, 3. Identifiers: MedGen C1863551, MONDO:0011369, OMIM 603776.
Familial hypercholesterolemia. Also called: Familial hypercholesterolaemia; Familial hypercholesterolemias. Identifiers: MedGen C0020445, MONDO:0005439.

Allele frequency attached by ClinVar (database versions not stated): gnomAD exomes below 0.00001 and 0.00003; ExAC 0.00001; TOPMed 0.00002; gnomAD 0.00003 and 0.00004.
gnomAD v4.1: 43 of 1,613,848 alleles (0.0027%); highest among the groups gnomAD compares: African/African-American, 0.008%; no homozygotes.

Submissions (3):

Color Diagnostics, LLC DBA Color Health
Classification: Uncertain significance for Familial hypercholesterolemia. Last evaluated: 2025-08-27. Review status: criteria provided, single submitter. Criteria: ACMG Guidelines, 2015. Collection method: clinical testing. Allele origin: germline.
Comment: This missense variant replaces arginine with glutamine at codon 194 of the PCSK9 protein. Computational prediction suggests that this variant may not impact protein structure and function. A functional study has shown that this variant does not alter PCSK9 auto-proteolysis and secretion (PMID: 29259136). This variant has not been reported in individuals affected with familial hypercholesterolemia in the literature. This variant has been identified in 4/282686 chromosomes in the general population by the Genome Aggregation Database (gnomAD). The available evidence is insufficient to determine the role of this variant in disease conclusively. Therefore, this variant is classified as a Variant of Uncertain Significance.

Labcorp Genetics (formerly Invitae), Labcorp
Classification: Uncertain significance for Hypercholesterolemia, autosomal dominant, 3. Last evaluated: 2024-03-06. Review status: criteria provided, single submitter. Criteria: Invitae Variant Classification Sherloc (09022015). Collection method: clinical testing. Allele origin: germline.
Comment: This sequence change replaces arginine, which is basic and polar, with glutamine, which is neutral and polar, at codon 194 of the PCSK9 protein (p.Arg194Gln). This variant is present in population databases (rs748155397, gnomAD 0.003%). This variant has not been reported in the literature in individuals affected with PCSK9-related conditions. ClinVar contains an entry for this variant (Variation ID: 926972). Advanced modeling of protein sequence and biophysical properties (such as structural, functional, and spatial information, amino acid conservation, physicochemical variation, residue mobility, and thermodynamic stability) has been performed at Invitae for this missense variant, however the output from this modeling did not meet the statistical confidence thresholds required to predict the impact of this variant on PCSK9 protein function. In summary, the available evidence is currently insufficient to determine the role of this variant in disease. Therefore, it has been classified as a Variant of Uncertain Significance.

All of Us Research Program, National Institutes of Health
Classification: Uncertain significance for Hypercholesterolemia, autosomal dominant, 3. Last evaluated: 2024-01-11. Review status: criteria provided, single submitter. Criteria: ACMG Guidelines, 2015. Collection method: clinical testing. Allele origin: germline. Inheritance: Autosomal dominant inheritance. Observed: 5 variant alleles, 5 heterozygotes.
Comment: This missense variant replaces arginine with glutamine at codon 194 of the PCSK9 protein. Computational prediction suggests that this variant may not impact protein structure and function (internally defined REVEL score threshold <= 0.5, PMID: 27666373). A functional study has reported that this variant does not affect PCSK9 protein processing (PMID: 29259136). This variant has not been reported in individuals affected with familial hypercholesterolemia in the literature. This variant has been identified in 4/282686 chromosomes in the general population by the Genome Aggregation Database (gnomAD). The available evidence is insufficient to determine the role of this variant in disease conclusively. Therefore, this variant is classified as a Variant of Uncertain Significance.

This study involves interpretation of variants in research participants for the purpose of population health screening. Participant phenotype was not available at the time of variant classification. Additional details can be found in publication PMID: 35346344, PMCID: PMC8962531

Literature cited by the submitters: PubMed 29259136 (cited by Color Diagnostics, LLC DBA Color Health and All of Us Research Program, National Institutes of Health).